The following is an entry in ClinVar:

NM_206933.4(USH2A):c.1515A>G (p.Arg505=)

Gene: USH2A (usherin; minus strand). Cytogenetic location: 1q41.
Variant type: single nucleotide variant.
Coding change: c.1515A>G on transcript NM_206933.4 (MANE Select); coding-DNA position 1515, A replaced by G.
Protein change: p.Arg505=; no amino-acid change (arginine 505 retained).
Molecular consequence: synonymous variant.
Genome position (GRCh38, 1-based): chr1:216,323,509, T>C on the plus strand (A>G on the coding strand, the complement: USH2A is on the minus strand). VCF-style: chr1-216323509-T-C. GRCh37 (hg19) VCF-style: chr1-216496851-T-C.
Other names: c.1515A>G, p.Arg505= (NM_007123.6).
Identifiers: ClinVar variation 1414306 (VCV001414306.7), dbSNP rs2102652955, ClinGen allele CA423397702.

ClinVar aggregate classification (germline): Uncertain significance (1 of 4 stars; one submission).

Allele frequency attached by ClinVar (database versions not stated): gnomAD exomes below 0.00001.
gnomAD v4.1: 1 of 1,613,498 alleles (0.000062%); highest among the groups gnomAD compares: African/African-American, 0.0013%; no homozygotes.

Submission:

Labcorp Genetics (formerly Invitae), Labcorp
Classification: Uncertain significance. Last evaluated: 2025-02-03. Review status: criteria provided, single submitter. Criteria: Invitae Variant Classification Sherloc (09022015). Collection method: clinical testing. Allele origin: germline.
Comment: This sequence change affects codon 505 of the USH2A mRNA. It is a 'silent' change, meaning that it does not change the encoded amino acid sequence of the USH2A protein. This variant is not present in population databases (gnomAD no frequency). This variant has not been reported in the literature in individuals affected with USH2A-related conditions. ClinVar contains an entry for this variant (Variation ID: 1414306). Algorithms developed to predict the effect of sequence changes on RNA splicing suggest that this variant may disrupt the consensus splice site. In summary, the available evidence is currently insufficient to determine the role of this variant in disease. Therefore, it has been classified as a Variant of Uncertain Significance.